The following is an entry in ClinVar:

ClinVar aggregate classification (germline): Conflicting classifications of pathogenicity. Review status: criteria provided, conflicting classifications (1 of 4 stars). 4 submissions from 4 submitters: Uncertain significance (2); Likely benign (1). 1 of the submissions does not count toward it. Last evaluated 2026-01-25.

Conditions:
DEAF1-related disorder.

Allele frequency attached by ClinVar (database versions not stated): ExAC 0.00006; ESP Exome Variant Server 0.00008; gnomAD exomes 0.00008 and 0.00009; TOPMed 0.00010; gnomAD 0.00015 and 0.00016.
gnomAD v4.1: 134 of 1,613,400 alleles (0.0083%); highest among the groups gnomAD compares: Non-Finnish European, 0.0097%; no homozygotes.

Submissions (4):

Labcorp Genetics (formerly Invitae), Labcorp
Classification: Uncertain significance. Last evaluated: 2026-01-25. Review status: criteria provided, single submitter. Criteria: Invitae Variant Classification Sherloc (09022015). Collection method: clinical testing. Allele origin: germline.
Comment: This sequence change replaces valine, which is neutral and non-polar, with methionine, which is neutral and non-polar, at codon 335 of the DEAF1 protein (p.Val335Met). This variant is present in population databases (rs375032027, gnomAD 0.02%). This variant has not been reported in the literature in individuals affected with DEAF1-related conditions. ClinVar contains an entry for this variant (Variation ID: 1396780). Invitae Evidence Modeling of protein sequence and biophysical properties (such as structural, functional, and spatial information, amino acid conservation, physicochemical variation, residue mobility, and thermodynamic stability) has been performed for this missense variant. However, the output from this modeling did not meet the statistical confidence thresholds required to predict the impact of this variant on DEAF1 protein function. In summary, the available evidence is currently insufficient to determine the role of this variant in disease. Therefore, it has been classified as a Variant of Uncertain Significance.

Laboratory of Genetics, Children's Clinical University Hospital Latvia
Classification: Likely benign. Last evaluated: 2025-02-16. Review status: criteria provided, single submitter. Criteria: ACMG Guidelines, 2015. Collection method: clinical testing. Allele origin: germline. Affected: yes.

CeGaT Center for Human Genetics Tuebingen
Classification: Uncertain significance. Last evaluated: 2022-11-01. Review status: criteria provided, single submitter. Criteria: CeGaT Center For Human Genetics Tuebingen Variant Classification Criteria Version 2. Collection method: clinical testing. Allele origin: germline. Affected: yes. Observed: 1 variant allele.
Comment: DEAF1: PM2:Supporting

PreventionGenetics, part of Exact Sciences
Classification: Uncertain significance for DEAF1-related condition. Last evaluated: 2024-09-13. Review status: no assertion criteria provided. Collection method: clinical testing. Allele origin: germline. Not counted in ClinVar's aggregate classification.
Comment: The DEAF1 c.1003G>A variant is predicted to result in the amino acid substitution p.Val335Met. To our knowledge, this variant has not been reported in the literature. This variant is reported in 0.022% of alleles in individuals of European (Non-Finnish) descent in gnomAD. At this time, the clinical significance of this variant is uncertain due to the absence of conclusive functional and genetic evidence.

NM_021008.4(DEAF1):c.1003G>A (p.Val335Met)

Gene: DEAF1 (DEAF1 transcription factor; minus strand). Cytogenetic location: 11p15.5.
Variant type: single nucleotide variant.
Coding change: c.1003G>A on transcript NM_021008.4 (MANE Select); coding-DNA position 1003, G replaced by A.
Protein change: p.Val335Met; replaces valine 335 with methionine.
Molecular consequence: missense variant.
Genome position (GRCh38, 1-based): chr11:679,811, C>T on the plus strand (G>A on the coding strand, the complement: DEAF1 is on the minus strand). VCF-style: chr11-679811-C-T. GRCh37 (hg19) VCF-style: chr11-679811-C-T.
Other names: c.736G>A, p.Val246Met (NM_001293634.2); c.277G>A, p.Val93Met (NM_001367390.1); short protein forms V246M, V335M, V93M.
Identifiers: ClinVar variation 1396780 (VCV001396780.30), dbSNP rs375032027, ClinGen allele CA5786349.
Genomic context (GRCh38, chr11:679,811, plus strand): 5'-CCGTGGACGCTCGGTCAAAGGTCAGTGCCCCCGAGGTCGTGATCTGTCCCGAGGGGGTCA[C>T]GGTGACTGGAAAGGCAGAAGCACATTTCACGCGGCCAGGCAGTGGCGCCCACGGCACACA-3'
Protein context (NP_066288.2, residues 325-345): LPATAATTFT[Val335Met]TPSGQITTSG